The following is an entry in ClinVar:

ClinVar aggregate classification (germline): Likely benign. Review status: criteria provided, multiple submitters, no conflicts (2 of 4 stars). 3 submissions from 3 submitters: Likely benign (3). Last evaluated 2024-10-14.

Conditions:
Dilated cardiomyopathy 1O (CMD1O). Also called: CARDIOMYOPATHY, DILATED, WITH VENTRICULAR TACHYCARDIA. Identifiers: Orphanet 154, MedGen C1837839, MONDO:0012062, OMIM 608569.

Allele frequency attached by ClinVar (database versions not stated): gnomAD 0.00046; ExAC 0.00064; gnomAD exomes 0.00069.

Submissions (3):

Blueprint Genetics
Classification: Likely benign. Last evaluated: 2024-10-14. Review status: criteria provided, single submitter. Criteria: ACMG Guidelines, 2015. Collection method: clinical testing. Allele origin: germline.

CeGaT Center for Human Genetics Tuebingen
Classification: Likely benign. Last evaluated: 2023-10-01. Review status: criteria provided, single submitter. Criteria: CeGaT Center For Human Genetics Tuebingen Variant Classification Criteria Version 2. Collection method: clinical testing. Allele origin: germline. Affected: yes. Observed: 2 variant alleles.
Comment: ABCC9: PM4:Supporting, BS2

Labcorp Genetics (formerly Invitae), Labcorp
Classification: Likely benign for Dilated cardiomyopathy 1O. Last evaluated: 2018-12-15. Review status: criteria provided, single submitter. Criteria: Invitae Variant Classification Sherloc (09022015). Collection method: clinical testing. Allele origin: germline.

NM_020297.4(ABCC9):c.4512+743_4512+744insAAA

Genes: ABCC9 (ATP binding cassette subfamily C member 9; minus strand), KCNJ8-AS1 (KCNJ8 antisense RNA 1; plus strand). Cytogenetic location: 12p12.1.
Variant type: Insertion.
Coding change: c.4512+743_4512+744insAAA on transcript NM_020297.4 (MANE Select); bases 743 to 744 of the intron after coding-DNA position 4512, AAA inserted.
Molecular consequence: intron variant. On other transcripts: inframe insertion (1).
Genome position: GRCh38 VCF-style: chr12-21805254-A-ATTT. GRCh37 (hg19) VCF-style: chr12-21958188-A-ATTT.
Other names: c.4569_4570insAAA, p.Ile1523_Leu1524insLys (NM_005691.4); c.3645+743_3645+744insAAA (NM_001377274.1); c.4512+743_4512+744insAAA (NM_001377273.1).
Identifiers: ClinVar variation 2642778 (VCV002642778.28), dbSNP rs771500892, ClinGen allele CA6480814.